The following is an entry in ClinVar:

ClinVar aggregate classification (germline): Likely benign. Review status: criteria provided, multiple submitters, no conflicts (2 of 4 stars). 2 submissions from 2 submitters: Likely benign (2). Last evaluated 2023-08-03.

Allele frequency attached by ClinVar (database versions not stated): gnomAD exomes 0.00001 and 0.00002; ExAC 0.00004; gnomAD 0.00004 and 0.00005; TOPMed 0.00010; 1000 Genomes Project 0.00040; 1000 Genomes Project 30x 0.00047.

Submissions (2):

Labcorp Genetics (formerly Invitae), Labcorp
Classification: Likely benign. Last evaluated: 2023-08-03. Review status: criteria provided, single submitter. Criteria: Invitae Variant Classification Sherloc (09022015). Collection method: clinical testing. Allele origin: germline.

GeneDx
Classification: Likely benign. Last evaluated: 2016-07-07. Review status: criteria provided, single submitter. Criteria: GeneDx Variant Classification (06012015). Collection method: clinical testing. Allele origin: germline. Affected: yes.
Comment: This variant is considered likely benign or benign based on one or more of the following criteria: it is a conservative change, it occurs at a poorly conserved position in the protein, it is predicted to be benign by multiple in silico algorithms, and/or has population frequency not consistent with disease.

NM_003321.5(TUFM):c.1242G>A (p.Arg414=)

Gene: TUFM (Tu translation elongation factor, mitochondrial; minus strand). Cytogenetic location: 16p11.2.
Variant type: single nucleotide variant.
Coding change: c.1242G>A on transcript NM_003321.5 (MANE Select); coding-DNA position 1242, G replaced by A.
Protein change: p.Arg414=; no amino-acid change (arginine 414 retained).
Molecular consequence: synonymous variant.
Genome position (GRCh38, 1-based): chr16:28,843,101, C>T on the plus strand (G>A on the coding strand, the complement: TUFM is on the minus strand). VCF-style: chr16-28843101-C-T. GRCh37 (hg19) VCF-style: chr16-28854422-C-T.
Other names: c.1158G>A, p.Arg386= (NM_001365360.2).
Identifiers: ClinVar variation 387146 (VCV000387146.4), dbSNP rs199806073, ClinGen allele CA7985364.